The following is an entry in ClinVar:

NM_004168.4(SDHA):c.1472A>C (p.Glu491Ala)

Gene: SDHA (succinate dehydrogenase complex flavoprotein subunit A; plus strand). Cytogenetic location: 5p15.33.
Variant type: single nucleotide variant.
Coding change: c.1472A>C on transcript NM_004168.4 (MANE Select); coding-DNA position 1472, A replaced by C.
Protein change: p.Glu491Ala; replaces glutamic acid 491 with alanine.
Molecular consequence: missense variant.
Genome position (GRCh38, 1-based): chr5:240,397, A>C. VCF-style: chr5-240397-A-C. GRCh37 (hg19) VCF-style: chr5-240512-A-C.
Other names: c.1328A>C, p.Glu443Ala (NM_001294332.2); c.1472A>C, p.Glu491Ala (NM_001330758.2); short protein forms E491A, E443A.
Identifiers: ClinVar variation 539639 (VCV000539639.9), dbSNP rs754324916, ClinGen allele CA3173261.

ClinVar aggregate classification (germline): Uncertain significance. Review status: criteria provided, multiple submitters, no conflicts (2 of 4 stars). 2 submissions from 2 submitters: Uncertain significance (2). Last evaluated 2025-10-15.

Conditions:
Mitochondrial complex II deficiency, nuclear type 1. Also called: SUCCINATE CoQ REDUCTASE DEFICIENCY. Identifiers: Orphanet 3208, MedGen C5700310, MONDO:0100294, OMIM 252011.
Pheochromocytoma/paraganglioma syndrome 5. Also called: Paragangliomas 5; SDHA-Related Hereditary Paraganglioma-Pheochromocytoma Syndrome. Identifiers: Orphanet 29072, MedGen C3279992, MONDO:0013602, OMIM 614165.
Hereditary cancer-predisposing syndrome. Also called: Neoplastic Syndromes, Hereditary; Tumor predisposition; Hereditary neoplastic syndrome; Hereditary Cancer Syndrome. Identifiers: Orphanet 140162, MedGen C0027672, MeSH D009386, MONDO:0015356.

Allele frequency attached by ClinVar (database versions not stated): gnomAD exomes below 0.00001 and 0.00001; ExAC 0.00001; gnomAD 0.00001; TOPMed 0.00001.

Submissions (2):

Labcorp Genetics (formerly Invitae), Labcorp
Classification: Uncertain significance for Pheochromocytoma/paraganglioma syndrome 5; Mitochondrial complex II deficiency, nuclear type 1. Last evaluated: 2025-10-15. Review status: criteria provided, single submitter. Criteria: Invitae Variant Classification Sherloc (09022015). Collection method: clinical testing. Allele origin: germline.
Comment: This sequence change replaces glutamic acid, which is acidic and polar, with alanine, which is neutral and non-polar, at codon 491 of the SDHA protein (p.Glu491Ala). This variant is present in population databases (rs754324916, gnomAD 0.01%). This variant has not been reported in the literature in individuals affected with SDHA-related conditions. ClinVar contains an entry for this variant (Variation ID: 539639). Invitae Evidence Modeling of protein sequence and biophysical properties (such as structural, functional, and spatial information, amino acid conservation, physicochemical variation, residue mobility, and thermodynamic stability) indicates that this missense variant is not expected to disrupt SDHA protein function with a negative predictive value of 95%. In summary, the available evidence is currently insufficient to determine the role of this variant in disease. Therefore, it has been classified as a Variant of Uncertain Significance.

Ambry Genetics
Classification: Uncertain significance for Hereditary cancer-predisposing syndrome. Last evaluated: 2024-01-30. Review status: criteria provided, single submitter. Criteria: Ambry Variant Classification Scheme 2023. Collection method: clinical testing. Allele origin: germline.
Comment: The p.E491A variant (also known as c.1472A>C), located in coding exon 11 of the SDHA gene, results from an A to C substitution at nucleotide position 1472. The glutamic acid at codon 491 is replaced by alanine, an amino acid with dissimilar properties. This amino acid position is well conserved in available vertebrate species. In addition, this alteration is predicted to be tolerated by in silico analysis. Based on the available evidence, the clinical significance of this alteration remains unclear.